The following is an entry in ClinVar:

ClinVar aggregate classification (germline): Benign/Likely benign. Review status: criteria provided, multiple submitters, no conflicts (2 of 4 stars). 7 submissions from 7 submitters: Benign (2); Likely benign (4). 1 of the submissions does not count toward it. Last evaluated 2026-02-02.

Conditions:
CDH2-related disorder. Also called: CDH2-related condition.
Arrhythmogenic right ventricular dysplasia, familial, 14. Also called: ARRHYTHMOGENIC RIGHT VENTRICULAR CARDIOMYOPATHY 14. Identifiers: MedGen C5394505, MONDO:0030062, OMIM 618920.
Agenesis of corpus callosum, cardiac, ocular, and genital syndrome. Identifiers: MedGen C5394523, MONDO:0030065, OMIM 618929.
Inborn genetic diseases. Identifiers: MedGen C0950123, MeSH D030342.

Allele frequency attached by ClinVar (database versions not stated): gnomAD exomes 0.00030 and 0.00088; ExAC 0.00111; ESP Exome Variant Server 0.00269; gnomAD 0.00282 and 0.00300; TOPMed 0.00334; 1000 Genomes Project 0.00399; 1000 Genomes Project 30x 0.00484.
gnomAD v4.1: 899 of 1,613,740 alleles (0.056%); highest among the groups gnomAD compares: African/African-American, 1%; 6 homozygotes.

Submissions (7):

Labcorp Genetics (formerly Invitae), Labcorp
Classification: Benign. Last evaluated: 2026-02-02. Review status: criteria provided, single submitter. Criteria: Invitae Variant Classification Sherloc (09022015). Collection method: clinical testing. Allele origin: germline.

Mayo Clinic Laboratories, Mayo Clinic
Classification: Likely benign. Last evaluated: 2025-08-22. Review status: criteria provided, single submitter. Criteria: ACMG Guidelines, 2015. Collection method: clinical testing. Allele origin: germline. Observed: 2 variant alleles.
Comment: BS1, BP4, BP7

Blueprint Genetics
Classification: Likely benign. Last evaluated: 2024-11-11. Review status: criteria provided, single submitter. Criteria: ACMG Guidelines, 2015. Collection method: clinical testing. Allele origin: germline.

Fulgent Genetics
Classification: Likely benign for Arrhythmogenic right ventricular dysplasia, familial, 14; Agenesis of corpus callosum, cardiac, ocular, and genital syndrome. Last evaluated: 2022-05-17. Review status: criteria provided, single submitter. Criteria: ACMG Guidelines, 2015. Collection method: clinical testing. Allele origin: unknown.

Ambry Genetics
Classification: Likely benign for Inborn genetic diseases. Last evaluated: 2022-02-11. Review status: criteria provided, single submitter. Criteria: Ambry Variant Classification Scheme 2023. Collection method: clinical testing. Allele origin: germline.

Breakthrough Genomics
Classification: Benign. Review status: criteria provided, single submitter. Criteria: ACMG Guidelines, 2015. Collection method: not provided. Allele origin: germline. Inheritance: Autosomal recessive inheritance. Affected: yes.

PreventionGenetics, part of Exact Sciences
Classification: Benign for CDH2-related condition. Last evaluated: 2019-04-01. Review status: no assertion criteria provided. Collection method: clinical testing. Allele origin: germline. Not counted in ClinVar's aggregate classification.
Comment: This variant is classified as benign based on ACMG/AMP sequence variant interpretation guidelines (Richards et al. 2015 PMID: 25741868, with internal and published modifications).

NM_001792.5(CDH2):c.885C>T (p.Asp295=)

Gene: CDH2 (cadherin 2; minus strand). Cytogenetic location: 18q12.1.
Variant type: single nucleotide variant.
Coding change: c.885C>T on transcript NM_001792.5 (MANE Select); coding-DNA position 885, C replaced by T.
Protein change: p.Asp295=; no amino-acid change (aspartic acid 295 retained).
Molecular consequence: synonymous variant.
Genome position (GRCh38, 1-based): chr18:28,003,132, G>A on the plus strand (C>T on the coding strand, the complement: CDH2 is on the minus strand). VCF-style: chr18-28003132-G-A. GRCh37 (hg19) VCF-style: chr18-25583096-G-A.
Other names: p.Asp295=; c.792C>T, p.Asp264= (NM_001308176.2).
Identifiers: ClinVar variation 789103 (VCV000789103.17), dbSNP rs17493618, ClinGen allele CA8923575.
Genomic context (GRCh38, chr18:28,003,132, plus strand): 5'-GGTGCTTGGAGCCTGAGACACGATTCTGTACCTCAACATCCCATTGAGGGCATTGGGATC[G>A]TCAGCATCAATTGCTGTTACGGTCATCACATATGTTCCTAGAGACAGTGTACATGGAAAA-3'
Protein context (NP_001783.2, residues 285-305): YVMTVTAIDA[Asp295=]DPNALNGMLR